The following is an entry in ClinVar:

ClinVar aggregate classification (germline): Uncertain significance. Review status: criteria provided, multiple submitters, no conflicts (2 of 4 stars). 3 submissions from 3 submitters: Uncertain significance (3). Last evaluated 2022-09-04.

Conditions:
Cardiovascular phenotype. Identifiers: MedGen CN230736.
Arrhythmogenic cardiomyopathy with wooly hair and keratoderma. Also called: PALMOPLANTAR KERATODERMA WITH LEFT VENTRICULAR CARDIOMYOPATHY AND WOOLLY HAIR; Carvajal syndrome; Dilated cardiomyopathy with woolly hair and keratoderma; Arrhythmogenic cardiomyopathy with woolly hair and keratoderma. Identifiers: Orphanet 65282, MedGen C1854063, MONDO:0011581, OMIM 605676.
Arrhythmogenic right ventricular dysplasia 8 (ARVD8). Also called: Arrhythmogenic Right Ventricular Dysplasia/Cardiomyopathy 8; ARRHYTHMOGENIC RIGHT VENTRICULAR DYSPLASIA, FAMILIAL, 8; ARRHYTHMOGENIC RIGHT VENTRICULAR CARDIOMYOPATHY 8. Identifiers: MedGen C1843896, MONDO:0011831, OMIM 607450.

Allele frequency attached by ClinVar (database versions not stated): TOPMed below 0.00001.
gnomAD v4.1: 1 of 1,614,062 alleles (0.000062%); highest among the groups gnomAD compares: Non-Finnish European, 0.000085%; no homozygotes.

Submissions (3):

Labcorp Genetics (formerly Invitae), Labcorp
Classification: Uncertain significance for Arrhythmogenic cardiomyopathy with wooly hair and keratoderma; Arrhythmogenic right ventricular dysplasia 8. Last evaluated: 2022-09-04. Review status: criteria provided, single submitter. Criteria: Invitae Variant Classification Sherloc (09022015). Collection method: clinical testing. Allele origin: germline.
Comment: This sequence change replaces aspartic acid, which is acidic and polar, with asparagine, which is neutral and polar, at codon 2417 of the DSP protein (p.Asp2417Asn). This variant is not present in population databases (gnomAD no frequency). This variant has not been reported in the literature in individuals affected with DSP-related conditions. Algorithms developed to predict the effect of missense changes on protein structure and function are either unavailable or do not agree on the potential impact of this missense change (SIFT: "Deleterious"; PolyPhen-2: "Probably Damaging"; Align-GVGD: "Class C15"). In summary, the available evidence is currently insufficient to determine the role of this variant in disease. Therefore, it has been classified as a Variant of Uncertain Significance.

GeneDx
Classification: Uncertain significance. Last evaluated: 2022-06-13. Review status: criteria provided, single submitter. Criteria: GeneDx Variant Classification Process June 2021. Collection method: clinical testing. Allele origin: germline. Affected: yes.
Comment: Has not been previously published as pathogenic or benign to our knowledge; Not observed at significant frequency in large population cohorts (gnomAD); In silico analysis supports that this missense variant has a deleterious effect on protein structure/function

Ambry Genetics
Classification: Uncertain significance for Cardiovascular phenotype. Last evaluated: 2019-03-19. Review status: criteria provided, single submitter. Criteria: Ambry Variant Classification Scheme 2023. Collection method: clinical testing. Allele origin: germline.
Comment: The p.D2417N variant (also known as c.7249G>A), located in coding exon 24 of the DSP gene, results from a G to A substitution at nucleotide position 7249. The aspartic acid at codon 2417 is replaced by asparagine, an amino acid with highly similar properties. This amino acid position is highly conserved in available vertebrate species. In addition, this alteration is predicted to be tolerated by in silico analysis. Since supporting evidence is limited at this time, the clinical significance of this alteration remains unclear.

NM_004415.4(DSP):c.7249G>A (p.Asp2417Asn)

Gene: DSP (desmoplakin; plus strand). Cytogenetic location: 6p24.3.
Variant type: single nucleotide variant.
Coding change: c.7249G>A on transcript NM_004415.4 (MANE Select); coding-DNA position 7249, G replaced by A.
Protein change: p.Asp2417Asn; replaces aspartic acid 2417 with asparagine.
Molecular consequence: missense variant.
Genome position (GRCh38, 1-based): chr6:7,584,511, G>A. VCF-style: chr6-7584511-G-A. GRCh37 (hg19) VCF-style: chr6-7584744-G-A.
Other names: c.5452G>A, p.Asp1818Asn (NM_001008844.3); c.5920G>A, p.Asp1974Asn (NM_001319034.2); short protein forms D1818N, D1974N, D2417N.
Identifiers: ClinVar variation 1757895 (VCV001757895.5), dbSNP rs760501352, ClinGen allele CA362692575.
Genomic context (GRCh38, chr6:7,584,511, plus strand): 5'-TTCAATGAGGAACTCAGTGAGATTCTCTCAGATCCAAGTGATGATACCAAAGGATTTTTT[G>A]ACCCCAACACTGAAGAAAATCTTACCTATCTGCAACTAAAAGAAAGATGCATTAAGGATG-3'
Protein context (NP_004406.2, residues 2407-2427): DPSDDTKGFF[Asp2417Asn]PNTEENLTYL